The following is an entry in ClinVar:

ClinVar aggregate classification (germline): Likely benign (1 of 4 stars; one submission).

Submission:

GeneDx
Classification: Likely benign. Last evaluated: 2018-03-22. Review status: criteria provided, single submitter. Criteria: GeneDx Variant Classification (06012015). Collection method: clinical testing. Allele origin: germline. Affected: yes.
Comment: This variant is considered likely benign or benign based on one or more of the following criteria: it is a conservative change, it occurs at a poorly conserved position in the protein, it is predicted to be benign by multiple in silico algorithms, and/or has population frequency not consistent with disease.

NM_201384.3(PLEC):c.10783C>G (p.Leu3595Val)

Gene: PLEC (plectin; minus strand). Cytogenetic location: 8q24.3.
Variant type: single nucleotide variant.
Coding change: c.10783C>G on transcript NM_201384.3 (MANE Select); coding-DNA position 10783, C replaced by G.
Protein change: p.Leu3595Val; replaces leucine 3595 with valine.
Molecular consequence: missense variant.
Genome position (GRCh38, 1-based): chr8:143,919,038, G>C on the plus strand (C>G on the coding strand, the complement: PLEC is on the minus strand). VCF-style: chr8-143919038-G-C. GRCh37 (hg19) VCF-style: chr8-144993206-G-C.
Other names: c.10864C>G, p.Leu3622Val (NM_000445.5); c.10741C>G, p.Leu3581Val (NM_201378.4); c.10717C>G, p.Leu3573Val (NM_201379.3); c.11194C>G, p.Leu3732Val (NM_201380.4); c.10687C>G, p.Leu3563Val (NM_201381.3); c.10783C>G, p.Leu3595Val (NM_201382.4); c.10795C>G, p.Leu3599Val (NM_201383.3); short protein forms L3599V, L3622V, L3573V, L3581V, L3732V, L3595V, L3563V.
Identifiers: ClinVar variation 681069 (VCV000681069.1), dbSNP rs1586792404, ClinGen allele CA372496626.